The following is an entry in ClinVar:

ClinVar aggregate classification (germline): Uncertain significance (1 of 4 stars; one submission).

Conditions:
Hereditary cancer-predisposing syndrome. Also called: Neoplastic Syndromes, Hereditary; Tumor predisposition; Hereditary neoplastic syndrome; Hereditary Cancer Syndrome. Identifiers: Orphanet 140162, MedGen C0027672, MeSH D009386, MONDO:0015356.

Submission:

Ambry Genetics
Classification: Uncertain significance for Hereditary cancer-predisposing syndrome. Last evaluated: 2026-07-07. Review status: criteria provided, single submitter. Criteria: Ambry Variant Classification Scheme 2023. Collection method: clinical testing. Allele origin: germline.
Comment: The p.H342P variant (also known as c.1025A>C), located in coding exon 9 of the PTCH1 gene, results from an A to C substitution at nucleotide position 1025. The histidine at codon 342 is replaced by proline, an amino acid with similar properties. This amino acid position is conserved. In addition, the in silico prediction for this alteration is inconclusive. Based on the available evidence, the clinical significance of this variant remains unclear.

NM_000264.5(PTCH1):c.1223A>C (p.His408Pro)

Gene: PTCH1 (patched 1; minus strand). Cytogenetic location: 9q22.32.
Variant type: single nucleotide variant.
Coding change: c.1223A>C on transcript NM_000264.5 (MANE Select); coding-DNA position 1223, A replaced by C.
Protein change: p.His408Pro; replaces histidine 408 with proline.
Molecular consequence: missense variant. On other transcripts: non-coding transcript variant (1).
Genome position (GRCh38, 1-based): chr9:95,478,179, T>G on the plus strand (A>C on the coding strand, the complement: PTCH1 is on the minus strand). VCF-style: chr9-95478179-T-G. GRCh37 (hg19) VCF-style: chr9-98240461-T-G.
Other names: c.1025A>C, p.His342Pro (NM_001083602.3); c.1220A>C, p.His407Pro (NM_001083603.3); c.770A>C, p.His257Pro (NM_001083604.3, NM_001083605.3, NM_001083606.3 and 1 more transcripts); c.1223A>C, p.His408Pro (NM_001354918.2); short protein forms H407P, H408P, H342P, H257P.
Identifiers: ClinVar variation 5027495 (VCV005027495.1).